The following is an entry in ClinVar:

NM_001040436.3(YARS2):c.225C>T (p.Thr75=)

Gene: YARS2 (tyrosyl-tRNA synthetase 2; minus strand). Cytogenetic location: 12p11.21.
Variant type: single nucleotide variant.
Coding change: c.225C>T on transcript NM_001040436.3 (MANE Select); coding-DNA position 225, C replaced by T.
Protein change: p.Thr75=; no amino-acid change (threonine 75 retained).
Molecular consequence: synonymous variant.
Genome position (GRCh38, 1-based): chr12:32,755,650, G>A on the plus strand (C>T on the coding strand, the complement: YARS2 is on the minus strand). VCF-style: chr12-32755650-G-A. GRCh37 (hg19) VCF-style: chr12-32908584-G-A.
Identifiers: ClinVar variation 724501 (VCV000724501.12), dbSNP rs376399300, ClinGen allele CA6508214.

ClinVar aggregate classification (germline): Likely benign. Review status: criteria provided, multiple submitters, no conflicts (2 of 4 stars). 3 submissions from 3 submitters: Likely benign (2). 1 of the submissions does not count toward it. Last evaluated 2025-12-17.

Conditions:
YARS2-related disorder. Also called: YARS2-related condition.

Allele frequency attached by ClinVar (database versions not stated): ExAC 0.00007; ESP Exome Variant Server 0.00015; gnomAD 0.00015 and 0.00018; TOPMed 0.00022.
gnomAD v4.1: 115 of 1,614,132 alleles (0.0071%); highest among the groups gnomAD compares: African/African-American, 0.064%; no homozygotes.

Submissions (3):

Labcorp Genetics (formerly Invitae), Labcorp
Classification: Likely benign. Last evaluated: 2025-12-17. Review status: criteria provided, single submitter. Criteria: Invitae Variant Classification Sherloc (09022015). Collection method: clinical testing. Allele origin: germline.

GeneDx
Classification: Likely benign. Last evaluated: 2021-01-06. Review status: criteria provided, single submitter. Criteria: GeneDx Variant Classification Process June 2021. Collection method: clinical testing. Allele origin: germline. Affected: yes.

PreventionGenetics, part of Exact Sciences
Classification: Likely benign for YARS2-related condition. Last evaluated: 2022-08-09. Review status: no assertion criteria provided. Collection method: clinical testing. Allele origin: germline. Not counted in ClinVar's aggregate classification.
Comment: This variant is classified as likely benign based on ACMG/AMP sequence variant interpretation guidelines (Richards et al. 2015 PMID: 25741868, with internal and published modifications).